The following is an entry in ClinVar:

ClinVar aggregate classification (germline): Pathogenic (1 of 4 stars; one submission).

Submission:

Labcorp Genetics (formerly Invitae), Labcorp
Classification: Pathogenic. Last evaluated: 2026-01-27. Review status: criteria provided, single submitter. Criteria: Invitae Variant Classification Sherloc (09022015). Collection method: clinical testing. Allele origin: germline.
Comment: This sequence change creates a premature translational stop signal (p.Val1301Glyfs*13) in the NSD1 gene. It is expected to result in an absent or disrupted protein product. Loss-of-function variants in NSD1 are known to be pathogenic (PMID: 12464997, 14571271, 15942875, 16247291). This variant is not present in population databases (gnomAD no frequency). This variant has not been reported in the literature in individuals affected with NSD1-related conditions. For these reasons, this variant has been classified as Pathogenic.

Literature cited by the submitters: PubMed 12464997; PubMed 14571271; PubMed 15942875; PubMed 16247291.

NM_022455.5(NSD1):c.3899dup (p.Val1301fs)

Gene: NSD1 (nuclear receptor binding SET domain protein 1; plus strand). Cytogenetic location: 5q35.3.
Variant type: Duplication.
Coding change: c.3899dup on transcript NM_022455.5 (MANE Select); coding-DNA position 3899, one base duplicated (A; older notation c.3899dupA).
Protein change: p.Val1301fs; shifts the reading frame from valine 1301.
Molecular consequence: frameshift variant.
Genome position (GRCh38, 1-based): chr5:177,235,923, A duplicated; the last of 2 consecutive A bases (chr5:177,235,922-177,235,923); duplicating either gives the same sequence. VCF-style (leftmost placement, unchanged base first): chr5-177235921-G-GA. GRCh37 (hg19) VCF-style: chr5-176662922-G-GA.
Other names: c.3026dup, p.Val1010fs (NM_001365684.2, NM_001409306.1, NM_001409307.1 and 3 more transcripts); c.3899dup, p.Val1301fs (NM_001409301.1, NM_001409302.1, NM_001409303.1); c.3479dup, p.Val1161fs (NM_001409304.1); c.3146dup, p.Val1050fs (NM_001409305.1); short protein forms V1301fs, V1161fs, V1010fs, V1050fs.
Identifiers: ClinVar variation 4736321 (VCV004736321.1).